The following is an entry in ClinVar:

ClinVar aggregate classification (germline): Pathogenic (1 of 4 stars; one submission).

Conditions:
GCGR-related hyperglucagonemia. Also called: ALPHA-CELL HYPERPLASIA WITH GLUCAGONEMIA; Mahvash disease. Identifiers: Orphanet 438274, MedGen C4763635, MONDO:0018582, OMIM 619290.

Submission:

Ganetzky Laboratory, Children's Hospital of Philadelphia
Classification: Pathogenic for GCGR-related hyperglucagonemia. Last evaluated: 2023-06-29. Review status: criteria provided, single submitter. Criteria: ACMG Guidelines, 2015. Collection method: clinical testing. Allele origin: paternal. Affected: yes. Observed: 1 compound heterozygote.
Comment: PVS1+PM2+PM3+PP4

NM_000160.5(GCGR):c.463del (p.Ala155fs)

Gene: GCGR (glucagon receptor; plus strand). Cytogenetic location: 17q25.3.
Variant type: Deletion.
Coding change: c.463del on transcript NM_000160.5 (MANE Select); coding-DNA position 463, one base deleted (G; older notation c.463delG).
Protein change: p.Ala155fs; shifts the reading frame from alanine 155.
Molecular consequence: frameshift variant.
Genome position (GRCh38, 1-based): chr17:81,811,291, G deleted; the last of 5 consecutive G bases (chr17:81,811,287-81,811,291); deleting any one gives the same sequence. VCF-style (leftmost placement, unchanged base first): chr17-81811286-TG-T. GRCh37 (hg19) VCF-style: chr17-79769162-TG-T.
Other names: short protein forms A155fs.
Identifiers: ClinVar variation 2582844 (VCV002582844.1), dbSNP rs2509907102, ClinGen allele CA2512487054.